The following is an entry in ClinVar:

ClinVar aggregate classification (germline): Conflicting classifications of pathogenicity. Review status: criteria provided, conflicting classifications (1 of 4 stars). 4 submissions from 4 submitters: Uncertain significance (1); Likely benign (2). 1 of the submissions does not count toward it. Last evaluated 2026-02-02.

Conditions:
Bardet-Biedl syndrome 17 (BBS17). Identifiers: Orphanet 110, MedGen C3714980, MONDO:0014445, OMIM 615994.
LZTFL1-related disorder. Also called: LZTFL1-related condition.

Allele frequency attached by ClinVar (database versions not stated): gnomAD exomes 0.00002; TOPMed 0.00002; ExAC 0.00003.
gnomAD v4.1: 61 of 1,614,102 alleles (0.0038%); highest among the groups gnomAD compares: East Asian, 0.1%; no homozygotes.

Submissions (4):

Labcorp Genetics (formerly Invitae), Labcorp
Classification: Likely benign. Last evaluated: 2026-02-02. Review status: criteria provided, single submitter. Criteria: Invitae Variant Classification Sherloc (09022015). Collection method: clinical testing. Allele origin: germline.

Fulgent Genetics
Classification: Uncertain significance for Bardet-Biedl syndrome 17. Last evaluated: 2024-04-15. Review status: criteria provided, single submitter. Criteria: ACMG Guidelines, 2015. Collection method: clinical testing. Allele origin: germline.

Blueprint Genetics
Classification: Likely benign. Last evaluated: 2022-09-27. Review status: criteria provided, single submitter. Criteria: ACMG Guidelines, 2015. Collection method: clinical testing. Allele origin: germline.

PreventionGenetics, part of Exact Sciences
Classification: Likely benign for LZTFL1-related condition. Last evaluated: 2024-03-12. Review status: no assertion criteria provided. Collection method: clinical testing. Allele origin: germline. Not counted in ClinVar's aggregate classification.
Comment: This variant is classified as likely benign based on ACMG/AMP sequence variant interpretation guidelines (Richards et al. 2015 PMID: 25741868, with internal and published modifications).

NM_020347.4(LZTFL1):c.645C>T (p.Val215=)

Gene: LZTFL1 (leucine zipper transcription factor like 1; minus strand). Cytogenetic location: 3p21.31.
Variant type: single nucleotide variant.
Coding change: c.645C>T on transcript NM_020347.4 (MANE Select); coding-DNA position 645, C replaced by T.
Protein change: p.Val215=; no amino-acid change (valine 215 retained).
Molecular consequence: synonymous variant. On other transcripts: non-coding transcript variant (1).
Genome position (GRCh38, 1-based): chr3:45,828,571, G>A on the plus strand (C>T on the coding strand, the complement: LZTFL1 is on the minus strand). VCF-style: chr3-45828571-G-A. GRCh37 (hg19) VCF-style: chr3-45870063-G-A.
Other names: c.645C>T (NM_020347.3); c.594C>T, p.Val198= (NM_001276378.2, NM_001386451.1); c.633C>T, p.Val211= (NM_001276379.2); c.645C>T, p.Val215= (NM_001386452.1).
Identifiers: ClinVar variation 1584603 (VCV001584603.11), dbSNP rs781281594, ClinGen allele CA2351883.